The following is an entry in ClinVar:

NM_001903.5(CTNNA1):c.2619G>A (p.Glu873=)

Gene: CTNNA1 (catenin alpha 1; plus strand). Cytogenetic location: 5q31.2.
Variant type: single nucleotide variant.
Coding change: c.2619G>A on transcript NM_001903.5 (MANE Select); coding-DNA position 2619, G replaced by A.
Protein change: p.Glu873=; no amino-acid change (glutamic acid 873 retained).
Molecular consequence: synonymous variant. On other transcripts: 3 prime UTR variant (5).
Genome position (GRCh38, 1-based): chr5:138,933,987, G>A. VCF-style: chr5-138933987-G-A. GRCh37 (hg19) VCF-style: chr5-138269676-G-A.
Other names: c.*164G>A (NM_001290307.3, NM_001324002.1, NM_001324003.1 and 2 more transcripts); c.2310G>A, p.Glu770= (NM_001290309.3); c.2250G>A, p.Glu750= (NM_001290310.3); c.1509G>A, p.Glu503= (NM_001290312.1, NM_001323987.1, NM_001323988.1 and 12 more transcripts); c.2619G>A, p.Glu873= (NM_001323982.2, NM_001323983.1, NM_001323984.2); c.2592G>A, p.Glu864= (NM_001323985.2); c.2526G>A, p.Glu842= (NM_001323986.2); c.1374G>A, p.Glu458= (NM_001324001.1); and 3 more.
Identifiers: ClinVar variation 1793894 (VCV001793894.6), dbSNP rs376239375, ClinGen allele CA3432274.

ClinVar aggregate classification (germline): Benign/Likely benign. Review status: criteria provided, multiple submitters, no conflicts (2 of 4 stars). 3 submissions from 3 submitters: Benign (1); Likely benign (2). Last evaluated 2024-10-15.

Conditions:
Hereditary cancer-predisposing syndrome. Also called: Neoplastic Syndromes, Hereditary; Tumor predisposition; Hereditary neoplastic syndrome; Hereditary Cancer Syndrome. Identifiers: Orphanet 140162, MedGen C0027672, MeSH D009386, MONDO:0015356.
Hereditary diffuse gastric adenocarcinoma (HDGC). Also called: DIFFUSE GASTRIC AND LOBULAR BREAST CANCER SYNDROME. Identifiers: Orphanet 26106, MedGen C1708349, MONDO:0007648, OMIM 137215.

Allele frequency attached by ClinVar (database versions not stated): TOPMed below 0.00001; ESP Exome Variant Server 0.00008.

Submissions (3):

Myriad Genetics, Inc.
Classification: Benign for Hereditary diffuse gastric adenocarcinoma. Last evaluated: 2024-10-15. Review status: criteria provided, single submitter. Criteria: Myriad Autosomal Dominant, Autosomal Recessive and X-Linked Classification Criteria (2023). Collection method: clinical testing. Allele origin: unknown.
Comment: This variant is considered benign. This variant is a silent/synonymous amino acid change and it is not expected to impact splicing.

Labcorp Genetics (formerly Invitae), Labcorp
Classification: Likely benign. Last evaluated: 2024-03-02. Review status: criteria provided, single submitter. Criteria: Invitae Variant Classification Sherloc (09022015). Collection method: clinical testing. Allele origin: germline.

Ambry Genetics
Classification: Likely benign for Hereditary cancer-predisposing syndrome. Last evaluated: 2019-12-29. Review status: criteria provided, single submitter. Criteria: Ambry Variant Classification Scheme 2023. Collection method: clinical testing. Allele origin: germline.